The following is an entry in ClinVar:

ClinVar aggregate classification (germline): Uncertain significance (1 of 4 stars; one submission).

Conditions:
Hereditary pancreatitis (PCTT). Also called: Hereditary chronic pancreatitis; PRSS1-Related Hereditary Pancreatitis. Identifiers: Orphanet 676, MedGen C0238339, MONDO:0008185, OMIM 167800.

Submission:

Ambry Genetics
Classification: Uncertain significance for Hereditary pancreatitis. Last evaluated: 2023-12-01. Review status: criteria provided, single submitter. Criteria: Ambry Variant Classification Scheme 2023. Collection method: clinical testing. Allele origin: germline.
Comment: The p.G166C variant (also known as c.496G>T), located in coding exon 5 of the CPA1 gene, results from a G to T substitution at nucleotide position 496. The glycine at codon 166 is replaced by cysteine, an amino acid with highly dissimilar properties. This amino acid position is conserved. In addition, the in silico prediction for this alteration is inconclusive. Since supporting evidence is limited at this time, the clinical significance of this alteration remains unclear.

NM_001868.4(CPA1):c.496G>T (p.Gly166Cys)

Gene: CPA1 (carboxypeptidase A1; plus strand). Cytogenetic location: 7q32.2.
Variant type: single nucleotide variant.
Coding change: c.496G>T on transcript NM_001868.4 (MANE Select); coding-DNA position 496, G replaced by T.
Protein change: p.Gly166Cys; replaces glycine 166 with cysteine.
Molecular consequence: missense variant.
Genome position (GRCh38, 1-based): chr7:130,383,403, G>T. VCF-style: chr7-130383403-G-T. GRCh37 (hg19) VCF-style: chr7-130023244-G-T.
Other names: short protein forms G166C.
Identifiers: ClinVar variation 3221826 (VCV003221826.1), dbSNP rs782645228, ClinGen allele CA369282138.
Genomic context (GRCh38, chr7:130,383,403, plus strand): 5'-GCCTCAGCTGTGAAATTGCCTCTGATCACTCCCCTGCCTCCTCTCCAGTTCAGCACGGGG[G>T]GCAGTAAGCGTCCAGCCATCTGGATCGACACGGGCATCCATTCCCGGGAGTGGGTCACCC-3'
Protein context (NP_001859.1, residues 156-176): PIYVLKFSTG[Gly166Cys]SKRPAIWIDT